The following is an entry in ClinVar:

NM_020223.4(FAM20C):c.1461G>A (p.Ser487=)

Gene: FAM20C (FAM20C golgi associated secretory pathway kinase; plus strand). Cytogenetic location: 7p22.3.
Variant type: single nucleotide variant.
Coding change: c.1461G>A on transcript NM_020223.4 (MANE Select); coding-DNA position 1461, G replaced by A.
Protein change: p.Ser487=; no amino-acid change (serine 487 retained).
Molecular consequence: synonymous variant.
Genome position (GRCh38, 1-based): chr7:258,661, G>A. VCF-style: chr7-258661-G-A. GRCh37 (hg19) VCF-style: chr7-298627-G-A.
Other names: c.1461G>A (NM_020223.3).
Identifiers: ClinVar variation 1611820 (VCV001611820.34), dbSNP rs373079378, ClinGen allele CA4109184.

ClinVar aggregate classification (germline): Benign/Likely benign. Review status: criteria provided, multiple submitters, no conflicts (2 of 4 stars). 4 submissions from 4 submitters: Benign (1); Likely benign (2). 1 of the submissions does not count toward it. Last evaluated 2026-01-26.

Conditions:
FAM20C-related disorder. Also called: FAM20C-related condition.

Allele frequency attached by ClinVar (database versions not stated): ExAC 0.00040; 1000 Genomes Project 0.00060; 1000 Genomes Project 30x 0.00078; ESP Exome Variant Server 0.00088.
gnomAD v4.1: 424 of 1,536,708 alleles (0.028%); highest among the groups gnomAD compares: African/African-American, 0.3%; no homozygotes.

Submissions (4):

Labcorp Genetics (formerly Invitae), Labcorp
Classification: Benign. Last evaluated: 2026-01-26. Review status: criteria provided, single submitter. Criteria: Invitae Variant Classification Sherloc (09022015). Collection method: clinical testing. Allele origin: germline.

Blueprint Genetics
Classification: Likely benign. Last evaluated: 2024-10-22. Review status: criteria provided, single submitter. Criteria: ACMG Guidelines, 2015. Collection method: clinical testing. Allele origin: germline.

CeGaT Center for Human Genetics Tuebingen
Classification: Likely benign. Last evaluated: 2023-09-01. Review status: criteria provided, single submitter. Criteria: CeGaT Center For Human Genetics Tuebingen Variant Classification Criteria Version 2. Collection method: clinical testing. Allele origin: germline. Affected: yes. Observed: 1 variant allele.
Comment: FAM20C: BP4, BP7

PreventionGenetics, part of Exact Sciences
Classification: Likely benign for FAM20C-related condition. Last evaluated: 2020-01-29. Review status: no assertion criteria provided. Collection method: clinical testing. Allele origin: germline. Not counted in ClinVar's aggregate classification.
Comment: This variant is classified as likely benign based on ACMG/AMP sequence variant interpretation guidelines (Richards et al. 2015 PMID: 25741868, with internal and published modifications).